The following is an entry in ClinVar:

ClinVar aggregate classification (germline): Conflicting classifications of pathogenicity. Review status: criteria provided, conflicting classifications (1 of 4 stars). 5 submissions from 5 submitters: Uncertain significance (1); Likely benign (2). 2 of the submissions do not count toward it. Last evaluated 2026-01-28.

Conditions:
CHAT-related disorder. Also called: CHAT-related condition.
Familial infantile myasthenia (CMS6). Also called: MYASTHENIC SYNDROME, CONGENITAL, 6, PRESYNAPTIC; Congenital myasthenic syndrome type 6; MYASTHENIC SYNDROME, PRESYNAPTIC, CONGENITAL, ASSOCIATED WITH EPISODIC APNEA. Identifiers: Orphanet 590, MedGen C0393929, MONDO:0009689, OMIM 254210.

Allele frequency attached by ClinVar (database versions not stated): 1000 Genomes Project 0.00020; 1000 Genomes Project 30x 0.00031; TOPMed 0.00057; ESP Exome Variant Server 0.00115; gnomAD 0.00127 and 0.00129.
gnomAD v4.1: 1,825 of 1,614,214 alleles (0.11%); highest among the groups gnomAD compares: Non-Finnish European, 0.13%; 6 homozygotes.

Submissions (5):

Labcorp Genetics (formerly Invitae), Labcorp
Classification: Likely benign for Familial infantile myasthenia. Last evaluated: 2026-01-28. Review status: criteria provided, single submitter. Criteria: Invitae Variant Classification Sherloc (09022015). Collection method: clinical testing. Allele origin: germline.

Blueprint Genetics
Classification: Likely benign. Last evaluated: 2024-11-22. Review status: criteria provided, single submitter. Criteria: ACMG Guidelines, 2015. Collection method: clinical testing. Allele origin: germline.

GeneDx
Classification: Uncertain significance. Last evaluated: 2016-11-24. Review status: criteria provided, single submitter. Criteria: GeneDx Variant Classification (06012015). Collection method: clinical testing. Allele origin: germline. Affected: yes.
Comment: The P726L variant has not been published as a pathogenic variant, nor has it been reported as a benign variant to our knowledge. It was not observed with any significant frequency in approximately 6,500 individuals of European and African American ancestry in the NHLBI Exome Sequencing Project. The P726L variant is a semi-conservative amino acid substitution, which may impact secondary protein structure as these residues differ in some properties. However, this substitution occurs at a position that is not conserved, and missense variants in nearby residues have not been reported in the Human Gene Mutation Database in association with congenital myasthenia syndrome (Stenson et al., 2014). In silico analysis predicts this variant likely does not alter the protein structure/function.

PreventionGenetics, part of Exact Sciences
Classification: Likely benign for CHAT-related condition. Last evaluated: 2022-07-18. Review status: no assertion criteria provided. Collection method: clinical testing. Allele origin: germline. Not counted in ClinVar's aggregate classification.
Comment: This variant is classified as likely benign based on ACMG/AMP sequence variant interpretation guidelines (Richards et al. 2015 PMID: 25741868, with internal and published modifications).

Mayo Clinic Laboratories, Mayo Clinic
Classification: Uncertain significance. Last evaluated: 2017-11-08. Review status: no assertion criteria provided. Collection method: clinical testing. Allele origin: unknown. Not counted in ClinVar's aggregate classification.

NM_020549.5(CHAT):c.2177C>T (p.Pro726Leu)

Gene: CHAT (choline O-acetyltransferase; plus strand). Cytogenetic location: 10q11.23.
Variant type: single nucleotide variant.
Coding change: c.2177C>T on transcript NM_020549.5 (MANE Select); coding-DNA position 2177, C replaced by T.
Protein change: p.Pro726Leu; replaces proline 726 with leucine.
Molecular consequence: missense variant.
Genome position (GRCh38, 1-based): chr10:49,664,976, C>T. VCF-style: chr10-49664976-C-T. GRCh37 (hg19) VCF-style: chr10-50873022-C-T.
Other names: c.1823C>T, p.Pro608Leu (NM_001142929.2, NM_001142934.2, NM_020984.4 and 2 more transcripts); c.1931C>T, p.Pro644Leu (NM_001142933.2); short protein forms P608L, P726L, P644L.
Identifiers: ClinVar variation 373503 (VCV000373503.16), dbSNP rs79414242, ClinGen allele CA5497726.
Genomic context (GRCh38, chr10:49,664,976, plus strand): 5'-AGTTTGCAAAAGCTGTGGAAGAAAGCCTCATTGACATGAGAGACCTCTGCAGTCTGCTGC[C>T]GCCTACTGAGAGCAAGCCATTGGCAACAAAGGAAAAAGCCACGAGGCCCAGCCAGGGACA-3'
Protein context (NP_065574.4, residues 716-736): IDMRDLCSLL[Pro726Leu]PTESKPLATK